The following is an entry in ClinVar:

ClinVar aggregate classification (germline): Uncertain significance (1 of 4 stars; one submission).

Submission:

Labcorp Genetics (formerly Invitae), Labcorp
Classification: Uncertain significance. Last evaluated: 2025-09-01. Review status: criteria provided, single submitter. Criteria: Invitae Variant Classification Sherloc (09022015). Collection method: clinical testing. Allele origin: germline.
Comment: This sequence change replaces tryptophan, which is neutral and slightly polar, with arginine, which is basic and polar, at codon 2976 of the TRRAP protein (p.Trp2976Arg). This variant is not present in population databases (gnomAD no frequency). This variant has not been reported in the literature in individuals affected with TRRAP-related conditions. Invitae Evidence Modeling of protein sequence and biophysical properties (such as structural, functional, and spatial information, amino acid conservation, physicochemical variation, residue mobility, and thermodynamic stability) indicates that this missense variant is expected to disrupt TRRAP protein function with a positive predictive value of 80%. In summary, the available evidence is currently insufficient to determine the role of this variant in disease. Therefore, it has been classified as a Variant of Uncertain Significance.

NM_001375524.1(TRRAP):c.9001T>C (p.Trp3001Arg)

Gene: TRRAP (transformation/transcription domain associated protein; plus strand). Cytogenetic location: 7q22.1.
Variant type: single nucleotide variant.
Coding change: c.9001T>C on transcript NM_001375524.1 (MANE Select); coding-DNA position 9001, T replaced by C.
Protein change: p.Trp3001Arg; replaces tryptophan 3001 with arginine.
Molecular consequence: missense variant.
Genome position (GRCh38, 1-based): chr7:98,983,438, T>C. VCF-style: chr7-98983438-T-C. GRCh37 (hg19) VCF-style: chr7-98581061-T-C.
Other names: c.8980T>C, p.Trp2994Arg (NM_001244580.2); c.8926T>C, p.Trp2976Arg (NM_003496.4); short protein forms W2976R, W2994R, W3001R.
Identifiers: ClinVar variation 4806254 (VCV004806254.1).
Genomic context (GRCh38, chr7:98,983,438, plus strand): 5'-TGGAGGAACCGACTGCCCATCGTGTCTGACGACTTGTCCCACTGGAGCAGCATCTTCATG[T>C]GGAGGCAGCATCATTACCAGGGTAAACCGACCTGGTCCGGCATGCATTCATCATGTAATT-3'
Protein context (NP_001362453.1, residues 2991-3011): DLSHWSSIFM[Trp3001Arg]RQHHYQAIVT